The following is an entry in ClinVar:

NM_001365276.2(TNXB):c.8666G>A (p.Arg2889Gln)

Gene: TNXB (tenascin XB; minus strand). Cytogenetic location: 6p21.33.
Variant type: single nucleotide variant.
Coding change: c.8666G>A on transcript NM_001365276.2 (MANE Select); coding-DNA position 8666, G replaced by A.
Protein change: p.Arg2889Gln; replaces arginine 2889 with glutamine.
Molecular consequence: missense variant.
Genome position (GRCh38, 1-based): chr6:32,053,513, C>T on the plus strand (G>A on the coding strand, the complement: TNXB is on the minus strand). VCF-style: chr6-32053513-C-T. GRCh37 (hg19) VCF-style: chr6-32021290-C-T.
Other names: p.Arg2887Gln; c.8660G>A, p.Arg2887Gln (NM_019105.8); short protein forms R2887Q, R2889Q.
Identifiers: ClinVar variation 451236 (VCV000451236.15), dbSNP rs768863607, ClinGen allele CA3733780.

ClinVar aggregate classification (germline): Conflicting classifications of pathogenicity. Review status: criteria provided, conflicting classifications (1 of 4 stars). 5 submissions from 5 submitters: Uncertain significance (3); Likely benign (2). Last evaluated 2026-04-06.

Conditions:
Cardiovascular phenotype. Identifiers: MedGen CN230736.

Allele frequency attached by ClinVar (database versions not stated): ExAC 0.00002; gnomAD 0.00002; gnomAD exomes 0.00002 and 0.00003; TOPMed 0.00002.
gnomAD v4.1: 46 of 1,613,410 alleles (0.0029%); highest among the groups gnomAD compares: East Asian, 0.0067%; no homozygotes.

Submissions (5):

Women's Health and Genetics/Laboratory Corporation of America, LabCorp
Classification: Uncertain significance. Last evaluated: 2026-04-06. Review status: criteria provided, single submitter. Criteria: LabCorp Variant Classification Summary - May 2015. Collection method: clinical testing. Allele origin: germline.
Comment: Variant summary: TNXB c.8660G>A (p.Arg2887Gln) results in a conservative amino acid change located in the Fibronectin type-III domain (IPR003961) of the encoded protein sequence. Algorithms developed to predict the effect of missense changes on protein structure and function all suggest that this variant is likely to be tolerated. The variant allele was found at a frequency of 1.6e-05 in 246692 control chromosomes. The available data on variant occurrences in the general population are insufficient to allow any conclusion about variant significance. To our knowledge, no occurrence of c.8660G>A in individuals affected with TNXB-related conditions and no experimental evidence demonstrating its impact on protein function have been reported. ClinVar contains an entry for this variant (Variation ID: 451236). Based on the evidence outlined above, the variant was classified as uncertain significance.

CeGaT Center for Human Genetics Tuebingen
Classification: Likely benign. Last evaluated: 2026-04-01. Review status: criteria provided, single submitter. Criteria: CeGaT Center For Human Genetics Tuebingen Variant Classification Criteria Version 2. Collection method: clinical testing. Allele origin: germline. Affected: yes. Observed: 2 variant alleles.
Comment: TNXB: BP4

Mayo Clinic Laboratories, Mayo Clinic
Classification: Uncertain significance. Last evaluated: 2025-05-28. Review status: criteria provided, single submitter. Criteria: ACMG Guidelines, 2015. Collection method: clinical testing. Allele origin: germline. Observed: 1 variant allele.
Comment: BP4_moderate

GeneDx
Classification: Uncertain significance. Last evaluated: 2025-03-06. Review status: criteria provided, single submitter. Criteria: GeneDx Variant Classification Process June 2021. Collection method: clinical testing. Allele origin: germline. Affected: yes.
Comment: Not observed at significant frequency in large population cohorts (gnomAD); In silico analysis indicates that this missense variant does not alter protein structure/function; Has not been previously published as pathogenic or benign to our knowledge

Ambry Genetics
Classification: Likely benign for Cardiovascular phenotype. Last evaluated: 2025-01-03. Review status: criteria provided, single submitter. Criteria: Ambry Variant Classification Scheme 2023. Collection method: clinical testing. Allele origin: germline.